The following is an entry in ClinVar:

ClinVar aggregate classification (germline): Uncertain significance. Review status: criteria provided, multiple submitters, no conflicts (2 of 4 stars). 2 submissions from 2 submitters: Uncertain significance (2). Last evaluated 2025-12-26.

Allele frequency attached by ClinVar (database versions not stated): gnomAD exomes below 0.00001; TOPMed 0.00001.
gnomAD v4.1: 4 of 1,613,908 alleles (0.00025%); highest among the groups gnomAD compares: South Asian, 0.0011%; no homozygotes.

Submissions (2):

Labcorp Genetics (formerly Invitae), Labcorp
Classification: Uncertain significance. Last evaluated: 2025-12-26. Review status: criteria provided, single submitter. Criteria: Invitae Variant Classification Sherloc (09022015). Collection method: clinical testing. Allele origin: germline.
Comment: This sequence change replaces tyrosine, which is neutral and polar, with cysteine, which is neutral and slightly polar, at codon 1987 of the NSD1 protein (p.Tyr1987Cys). This variant is present in population databases (no rsID available, gnomAD 0.003%). This variant has not been reported in the literature in individuals affected with NSD1-related conditions. ClinVar contains an entry for this variant (Variation ID: 2502469). Invitae Evidence Modeling of protein sequence and biophysical properties (such as structural, functional, and spatial information, amino acid conservation, physicochemical variation, residue mobility, and thermodynamic stability) indicates that this missense variant is expected to disrupt NSD1 protein function with a positive predictive value of 95%. In summary, the available evidence is currently insufficient to determine the role of this variant in disease. Therefore, it has been classified as a Variant of Uncertain Significance.

GeneDx
Classification: Uncertain significance. Last evaluated: 2022-11-17. Review status: criteria provided, single submitter. Criteria: GeneDx Variant Classification Process June 2021. Collection method: clinical testing. Allele origin: germline. Affected: yes.
Comment: In silico analysis supports that this missense variant has a deleterious effect on protein structure/function; Has not been previously published as pathogenic or benign to our knowledge

NM_022455.5(NSD1):c.5960A>G (p.Tyr1987Cys)

Gene: NSD1 (nuclear receptor binding SET domain protein 1; plus strand). Cytogenetic location: 5q35.3.
Variant type: single nucleotide variant.
Coding change: c.5960A>G on transcript NM_022455.5 (MANE Select); coding-DNA position 5960, A replaced by G.
Protein change: p.Tyr1987Cys; replaces tyrosine 1987 with cysteine.
Molecular consequence: missense variant.
Genome position (GRCh38, 1-based): chr5:177,282,532, A>G. VCF-style: chr5-177282532-A-G. GRCh37 (hg19) VCF-style: chr5-176709533-A-G.
Other names: c.5960A>G, p.Tyr1987Cys (NM_001409303.1, NM_001409301.1, NM_001409302.1); c.5540A>G, p.Tyr1847Cys (NM_001409304.1); c.5207A>G, p.Tyr1736Cys (NM_001409305.1); c.5198A>G, p.Tyr1733Cys (NM_001409306.1, NM_001409307.1); c.5087A>G, p.Tyr1696Cys (NM_001409308.1, NM_001409309.1, NM_172349.5 and 1 more transcripts); short protein forms Y1696C, Y1733C, Y1736C, Y1847C, Y1987C.
Identifiers: ClinVar variation 2502469 (VCV002502469.2), dbSNP rs900619405, ClinGen allele CA132848968.